The following is an entry in ClinVar:

NM_000937.5(POLR2A):c.5026C>T (p.Pro1676Ser)

Gene: POLR2A (RNA polymerase II subunit A; plus strand). Cytogenetic location: 17p13.1.
Variant type: single nucleotide variant.
Coding change: c.5026C>T on transcript NM_000937.5 (MANE Select); coding-DNA position 5026, C replaced by T.
Protein change: p.Pro1676Ser; replaces proline 1676 with serine.
Molecular consequence: missense variant.
Genome position (GRCh38, 1-based): chr17:7,513,290, C>T. VCF-style: chr17-7513290-C-T. GRCh37 (hg19) VCF-style: chr17-7416609-C-T.
Other names: short protein forms P1676S.
Identifiers: ClinVar variation 4795282 (VCV004795282.1).

ClinVar aggregate classification (germline): Uncertain significance (1 of 4 stars; one submission).

Submission:

GeneDx
Classification: Uncertain significance. Last evaluated: 2025-08-13. Review status: criteria provided, single submitter. Criteria: GeneDx Variant Classification Process June 2021. Collection method: clinical testing. Allele origin: germline. Affected: yes.
Comment: Not observed at significant frequency in large population cohorts (gnomAD); In silico analysis supports that this missense variant has a deleterious effect on protein structure/function; Has not been previously published as pathogenic or benign to our knowledge